The following is an entry in ClinVar:

ClinVar aggregate classification (germline): Uncertain significance. Review status: criteria provided, multiple submitters, no conflicts (2 of 4 stars). 2 submissions from 2 submitters: Uncertain significance (2). Last evaluated 2024-12-16.

Conditions:
Baller-Gerold syndrome (BGS). Also called: CRANIOSYNOSTOSIS WITH RADIAL DEFECTS. Identifiers: Orphanet 1225, MedGen C0265308, MONDO:0009039, OMIM 218600.
Inborn genetic diseases. Identifiers: MedGen C0950123, MeSH D030342.

Submissions (2):

Ambry Genetics
Classification: Uncertain significance for Inborn genetic diseases. Last evaluated: 2024-12-16. Review status: criteria provided, single submitter. Criteria: Ambry Variant Classification Scheme 2023. Collection method: clinical testing. Allele origin: germline.
Comment: The p.P905A variant (also known as c.2713C>G), located in coding exon 15 of the RECQL4 gene, results from a C to G substitution at nucleotide position 2713. The proline at codon 905 is replaced by alanine, an amino acid with highly similar properties. This amino acid position is conserved. Based on the available evidence, the clinical significance of this variant remains unclear.

Labcorp Genetics (formerly Invitae), Labcorp
Classification: Uncertain significance for Baller-Gerold syndrome. Last evaluated: 2022-04-11. Review status: criteria provided, single submitter. Criteria: Invitae Variant Classification Sherloc (09022015). Collection method: clinical testing. Allele origin: germline.
Comment: This sequence change replaces proline, which is neutral and non-polar, with alanine, which is neutral and non-polar, at codon 905 of the RECQL4 protein (p.Pro905Ala). This variant is not present in population databases (gnomAD no frequency). This variant has not been reported in the literature in individuals affected with RECQL4-related conditions. Experimental studies and prediction algorithms are not available or were not evaluated, and the functional significance of this variant is currently unknown. In summary, the available evidence is currently insufficient to determine the role of this variant in disease. Therefore, it has been classified as a Variant of Uncertain Significance.

NM_004260.4(RECQL4):c.2713C>G (p.Pro905Ala)

Gene: RECQL4 (RecQ like helicase 4; minus strand). Cytogenetic location: 8q24.3.
Variant type: single nucleotide variant.
Coding change: c.2713C>G on transcript NM_004260.4 (MANE Select); coding-DNA position 2713, C replaced by G.
Protein change: p.Pro905Ala; replaces proline 905 with alanine.
Molecular consequence: missense variant.
Genome position (GRCh38, 1-based): chr8:144,512,889, G>C on the plus strand (C>G on the coding strand, the complement: RECQL4 is on the minus strand). VCF-style: chr8-144512889-G-C. GRCh37 (hg19) VCF-style: chr8-145738272-G-C.
Other names: c.2713C>G (NM_004260.3); c.2419C>G, p.Pro807Ala (NM_001413017.1); c.2515C>G, p.Pro839Ala (NM_001413018.1); c.2713C>G, p.Pro905Ala (NM_001413019.1, NM_001413036.1); c.2617C>G, p.Pro873Ala (NM_001413020.1); c.1642C>G, p.Pro548Ala (NM_001413021.1, NM_001413022.1, NM_001413023.1 and 5 more transcripts); c.2584C>G, p.Pro862Ala (NM_001413025.1); c.1576C>G, p.Pro526Ala (NM_001413027.1, NM_001413030.1, NM_001413032.1 and 1 more transcripts); and 7 more; short protein forms P504A, P526A, P788A, P839A, P873A, P538A, P862A, P482A.
Identifiers: ClinVar variation 2124515 (VCV002124515.5), dbSNP rs778939539, ClinGen allele CA372675046.